The following is an entry in ClinVar:

ClinVar aggregate classification (germline): Uncertain significance. Review status: criteria provided, multiple submitters, no conflicts (2 of 4 stars). 2 submissions from 2 submitters: Uncertain significance (2). Last evaluated 2024-01-18.

Conditions:
Macrothrombocytopenia, isolated, 1, autosomal dominant (MACTHC1). Also called: Autosomal dominant macrothrombocytopenia TUBB1-related. Identifiers: Orphanet 140957, MedGen C5676892, MONDO:0800047, OMIM 613112.

Allele frequency attached by ClinVar (database versions not stated): gnomAD exomes below 0.00001 and 0.00001; ExAC 0.00001.
gnomAD v4.1: 3 of 1,614,214 alleles (0.00019%); highest among the groups gnomAD compares: Admixed American, 0.0017%; no homozygotes.

Submissions (2):

Labcorp Genetics (formerly Invitae), Labcorp
Classification: Uncertain significance. Last evaluated: 2024-01-18. Review status: criteria provided, single submitter. Criteria: Invitae Variant Classification Sherloc (09022015). Collection method: clinical testing. Allele origin: germline.
Comment: This sequence change replaces proline, which is neutral and non-polar, with serine, which is neutral and polar, at codon 346 of the TUBB1 protein (p.Pro346Ser). This variant is present in population databases (rs774134509, gnomAD 0.003%). This missense change has been observed in individual(s) with clinical features of TUBB1-related conditions (PMID: 34355501). ClinVar contains an entry for this variant (Variation ID: 1677272). Advanced modeling of protein sequence and biophysical properties (such as structural, functional, and spatial information, amino acid conservation, physicochemical variation, residue mobility, and thermodynamic stability) performed at Invitae indicates that this missense variant is expected to disrupt TUBB1 protein function with a positive predictive value of 80%. In summary, the available evidence is currently insufficient to determine the role of this variant in disease. Therefore, it has been classified as a Variant of Uncertain Significance.

ISTH-SSC Genomics in Thrombosis and Hemostasis, KU Leuven, Center for Molecular and Vascular Biology
Classification: Uncertain significance for Macrothrombocytopenia, isolated, 1, autosomal dominant. Review status: criteria provided, single submitter. Criteria: ACMG Guidelines, 2015. Collection method: clinical testing. Allele origin: germline. Affected: yes. Observed: 2 heterozygotes.
Comment: GoldVariant submitter: Juliana Perez Botero Versiti Diagnostic Laboratories, USA

Literature cited by the submitters: PubMed 34355501 (cited by Labcorp Genetics (formerly Invitae), Labcorp and ISTH-SSC Genomics in Thrombosis and Hemostasis, KU Leuven, Center for Molecular and Vascular Biology).

NM_030773.4(TUBB1):c.1036C>T (p.Pro346Ser)

Gene: TUBB1 (tubulin beta 1 class VI; plus strand). Cytogenetic location: 20q13.32.
Variant type: single nucleotide variant.
Coding change: c.1036C>T on transcript NM_030773.4 (MANE Select); coding-DNA position 1036, C replaced by T.
Protein change: p.Pro346Ser; replaces proline 346 with serine.
Molecular consequence: missense variant.
Genome position (GRCh38, 1-based): chr20:59,024,463, C>T. VCF-style: chr20-59024463-C-T. GRCh37 (hg19) VCF-style: chr20-57599518-C-T.
Other names: short protein forms P346S.
Identifiers: ClinVar variation 1677272 (VCV001677272.4), dbSNP rs774134509, ClinGen allele CA9928641.